The following is an entry in ClinVar:

NM_000018.4(ACADVL):c.1066A>G (p.Ile356Val)

Gene: ACADVL (acyl-CoA dehydrogenase very long chain; plus strand). Cytogenetic location: 17p13.1.
Variant type: single nucleotide variant.
Coding change: c.1066A>G on transcript NM_000018.4 (MANE Select); coding-DNA position 1066, A replaced by G.
Protein change: p.Ile356Val; replaces isoleucine 356 with valine.
Molecular consequence: missense variant.
Genome position (GRCh38, 1-based): chr17:7,222,854, A>G. VCF-style: chr17-7222854-A-G. GRCh37 (hg19) VCF-style: chr17-7126173-A-G.
Other names: NM_000018.4(ACADVL):c.1066A>G; p.Ile356Val; c.1000A>G, p.Ile334Val (NM_001033859.3); c.1135A>G, p.Ile379Val (NM_001270447.2); c.838A>G, p.Ile280Val (NM_001270448.2); short protein forms I356V, I379V, I280V, I334V.
Identifiers: ClinVar variation 193541 (VCV000193541.50), dbSNP rs150140386, ClinGen allele CA200650.
Genomic context (GRCh38, chr17:7,222,854, plus strand): 5'-ATCCTCAACAATGGAAGGTTTGGCATGGCTGCGGCCCTGGCAGGTACCATGAGAGGCATC[A>G]TTGCTAAGGCGGTGAGTACCCTGCCCGAGTCCCTAGGTAACCCAAACAGAAGTCTCACTG-3'
Protein context (NP_000009.1, residues 346-366): AALAGTMRGI[Ile356Val]AKAVDHATNR

ClinVar aggregate classification (germline): Uncertain significance. Review status: reviewed by expert panel (3 of 4 stars). 14 submissions from 14 submitters: Uncertain significance (1). 13 of the submissions do not count toward it. Last evaluated 2024-12-10.

Conditions:
Very long chain acyl-CoA dehydrogenase deficiency (ACADVLD). Also called: VLCAD Deficiency; Very Long-Chain Acyl-Coenzyme A Dehydrogenase Deficiency. Identifiers: Orphanet 26793, MedGen C3887523, MONDO:0008723, OMIM 201475.

Allele frequency attached by ClinVar (database versions not stated): gnomAD exomes 0.00028 and 0.00085; ExAC 0.00095; 1000 Genomes Project 30x 0.00234; 1000 Genomes Project 0.00260; gnomAD 0.00264 and 0.00280; TOPMed 0.00317; ESP Exome Variant Server 0.00400.
gnomAD v4.1: 829 of 1,612,152 alleles (0.051%); highest among the groups gnomAD compares: African/African-American, 0.96%; 5 homozygotes.

Submissions 1 to 8 of 14:

ClinGen ACADVL Variant Curation Expert Panel, ClinGen
Classification: Uncertain significance for Very long chain acyl-CoA dehydrogenase deficiency. Last evaluated: 2024-12-10. Review status: reviewed by expert panel. Criteria: clingen acadvl acmg specifications v1. Collection method: curation. Allele origin: germline. Inheritance: Autosomal recessive inheritance.
Comment: The c.1066A>G (NM_000018.4) variant in ACADVL is a missense variant predicted to cause substitution of isoleucine by valine at amino acid 356 (p.Ile356Val). Several individuals with this variant were identified by newborn screen, but this information is insufficient to use toward classification (PMID: 30194637, 26385305, 23867825, 31031081, 27209629). One individual did display C14:1 level of 0.83, which is highly specific for very long chain acyl-CoA dehydrogenase (VLCAD) deficiency (PP4, PMID: 31031081). At least one of these individuals carried an additional likely pathogenic variant not confirmed to be in trans, but this does not meet the criteria to be counted toward PM3. The highest population minor allele frequency in gnomAD v2.1.1 is 0.009786 in the African population with 3 total homozygotes, which is higher than the ClinGen ACADVL Variant Curation Expert Panel threshold (≥0.007) for BA1, and therefore meets this criterion (BA1). However, due to the possibility of this variant being enriched in an under-sequenced population, the ACADVL VCEP has overridden the BA1 evidence code to be in conflict with the specificity of the C14:1 level identified in an affected individual (PP4 data, PMID: 31031081). Additionally, the ACADVL VCEP cannot exclude the possibility that the 3 homozygous individuals in gnomAD may be as-yet unaffected adults that could present with mild disease in the future. The computational predictor REVEL gives a score of 0.621, which is neither above nor below the thresholds predicting a damaging or benign impact on ACADVL function. In summary, this variant meets the criteria to be classified as variant of uncertain significance for autosomal recessive very long chain acyl-CoA dehydrogenase (VLCAD) deficiency based on the ACMG/AMP criteria applied, as specified by the ClinGen ACADVL Variant Curation Expert Panel: BA1, PP4 (ACADVL VCEP specifications version 1; approved November 9, 2021). This variant was originally curated September 23, 2022 and the recurated classification was approved by the expert panel on December 10, 2025.

Labcorp Genetics (formerly Invitae), Labcorp
Classification: Benign for Very long chain acyl-CoA dehydrogenase deficiency. Last evaluated: 2026-01-28. Review status: criteria provided, single submitter. Criteria: Invitae Variant Classification Sherloc (09022015). Collection method: clinical testing. Allele origin: germline. Not counted in ClinVar's aggregate classification.

Dasa
Classification: Uncertain significance. Last evaluated: 2025-09-02. Review status: criteria provided, single submitter. Criteria: DASA Assertion Criteria. Collection method: clinical testing. Allele origin: germline. Not counted in ClinVar's aggregate classification.
Comment: NM_000018.4(ACADVL):c.1066A>G (p.Ile356Val) is a missense variant that results in the substitution of isoleucine with valine. This variant has been recurrently observed in individuals with ACADVL-related disorders (PMID: 37671074; PMID: 33123633; PMID: 31031081; PMID: 27209629). Also, this variant is rare in population databases. The currently available literature and clinical evidence are not sufficient to establish a definitive association between this variant and the reported condition. Therefore, this variant is classified as a variant of uncertain significance.

ARUP Laboratories, Molecular Genetics and Genomics, ARUP Laboratories
Classification: Uncertain significance for Very long chain acyl-CoA dehydrogenase deficiency. Last evaluated: 2025-01-20. Review status: criteria provided, single submitter. Criteria: ARUP Molecular Germline Variant Investigation Process 2024. Collection method: clinical testing. Allele origin: germline. Not counted in ClinVar's aggregate classification.
Comment: The ACADVL c.1066A>G; p.Ile356Val variant (rs150140386, ClinVar ID: 193541) is reported in the literature in multiple individuals with abnormal newborn screening results suggestive of very long-chain acyl-CoA dehydrogenase (VLCAD) deficiency, though its clinical significance was not determined (Miller 2015). This variant has been observed in asymptomatic individuals with abnormal acylcarnitine profiles who also carried a pathogenic variant (Pena 2016, Tangeraas 2020). Additionally, it has been reported in a symptomatic individual with VLCAD deficiency (Rovelli 2019). It is found in the African/African American population with an allele frequency of 0.98% (244/24934 alleles, including 3 homozygotes) in the Genome Aggregation Database. The isoleucine at codon 356 is highly conserved, but computational analyses are uncertain whether this variant is neutral or deleterious (REVEL: 0.621). Due to conflicting information, the significance of the p.Ile356Val variant is uncertain at this time. References: Miller M et al. Recurrent ACADVL molecular findings in individuals with a positive newborn screen for very long chain acyl-coA dehydrogenase (VLCAD) deficiency in the United States. Mol Genet Metab. 2015 Nov;116(3):139-45. PMID: 26385305. Pena LD et al. Outcomes and genotype-phenotype correlations in 52 individuals with VLCAD deficiency diagnosed by NBS and enrolled in the IBEM-IS database. Mol Genet Metab. 2016 Aug;118(4):272-81. PMID: 27209629. Rovelli V et al. Clinical and biochemical outcome of patients with very long-chain acyl-CoA dehydrogenase deficiency. Mol Genet Metab. 2019 May;127(1):64-73. PMID: 31031081. Tangeraas T et al. Performance of Expanded Newborn Screening in Norway Supported by Post-Analytical Bioinformatics Tools and Rapid Second-Tier DNA Analyses. Int J Neonatal Screen. 2020 Jun 27;6(3):51. PMID: 33123633.

Blueprint Genetics
Classification: Likely benign. Last evaluated: 2024-11-21. Review status: criteria provided, single submitter. Criteria: ACMG Guidelines, 2015. Collection method: clinical testing. Allele origin: germline. Not counted in ClinVar's aggregate classification.

Revvity Omics, Revvity
Classification: Uncertain significance for Very long chain acyl-CoA dehydrogenase deficiency. Last evaluated: 2023-03-14. Review status: criteria provided, single submitter. Criteria: ACMG Guidelines, 2015. Collection method: clinical testing. Allele origin: germline. Not counted in ClinVar's aggregate classification.

Women's Health and Genetics/Laboratory Corporation of America, LabCorp
Classification: Likely benign. Last evaluated: 2022-05-03. Review status: criteria provided, single submitter. Criteria: LabCorp Variant Classification Summary - May 2015. Collection method: clinical testing. Allele origin: germline. Not counted in ClinVar's aggregate classification.
Comment: Variant summary: ACADVL c.1066A>G (p.Ile356Val) results in a conservative amino acid change located in the Acyl-CoA dehydrogenase/oxidase C-terminal domain (IPR009075) of the encoded protein sequence. Three of five in-silico tools predict a benign effect of the variant on protein function. The variant allele was found at a frequency of 0.00085 in 250672 control chromosomes, predominantly at a frequency of 0.011 within the African or African-American subpopulation in the gnomAD database, including 2 homozygotes. The observed variant frequency within African or African-American control individuals in the gnomAD database is approximately 4-fold of the estimated maximal expected allele frequency for a pathogenic variant in ACADVL causing Very Long Chain Acyl-CoA Dehydrogenase Deficiency phenotype (0.0029), strongly suggesting that the variant is a benign polymorphism found primarily in populations of African or African-American origin. c.1066A>G has been reported in the literature in individuals with abnormal newborn screening results, hypoglycemia or fatty acid oxidation defects (Ndukwe_2013, Miller_2015, Pena_2016, Hesse_2018, Tangeraas_2020). These reports do not provide unequivocal conclusions about association of the variant with Very Long Chain Acyl-CoA Dehydrogenase Deficiency. At least one publication reports experimental evidence evaluating an impact on protein function. The most pronounced variant effect results in 30%-50% of normal activity (Hesse_2018). Three ClinVar submitters (evaluation after 2014) cite the variant as benign and four ClinVar submitters (evaluation after 2014) cite it as uncertain significance. Based on the evidence outlined above, the variant was classified as likely benign.

Mayo Clinic Laboratories, Mayo Clinic
Classification: Benign. Last evaluated: 2021-12-06. Review status: criteria provided, single submitter. Criteria: ACMG Guidelines, 2015. Collection method: clinical testing. Allele origin: germline. Observed: 5 variant alleles. Not counted in ClinVar's aggregate classification.
Comment: BS1, BS2